The following is an entry in ClinVar:

NM_000018.4(ACADVL):c.1079T>C (p.Val360Ala)

Gene: ACADVL (acyl-CoA dehydrogenase very long chain; plus strand). Cytogenetic location: 17p13.1.
Variant type: single nucleotide variant.
Coding change: c.1079T>C on transcript NM_000018.4 (MANE Select); coding-DNA position 1079, T replaced by C.
Protein change: p.Val360Ala; replaces valine 360 with alanine.
Molecular consequence: missense variant.
Genome position (GRCh38, 1-based): chr17:7,223,134, T>C. VCF-style: chr17-7223134-T-C. GRCh37 (hg19) VCF-style: chr17-7126453-T-C.
Other names: c.1079T>C (NM_000018.2); c.1013T>C, p.Val338Ala (NM_001033859.3); c.1148T>C, p.Val383Ala (NM_001270447.2); c.851T>C, p.Val284Ala (NM_001270448.2); short protein forms V360A, V284A, V383A, V338A.
Identifiers: ClinVar variation 650483 (VCV000650483.5), dbSNP rs1284063777, ClinGen allele CA397724311.

ClinVar aggregate classification (germline): Uncertain significance. Review status: criteria provided, multiple submitters, no conflicts (2 of 4 stars). 3 submissions from 3 submitters: Uncertain significance (2). 1 of the submissions does not count toward it. Last evaluated 2025-06-09.

Conditions:
Inborn genetic diseases. Identifiers: MedGen C0950123, MeSH D030342.
Very long chain acyl-CoA dehydrogenase deficiency (ACADVLD). Also called: Very Long-Chain Acyl-Coenzyme A Dehydrogenase Deficiency; VLCAD Deficiency. Identifiers: Orphanet 26793, MedGen C3887523, MONDO:0008723, OMIM 201475.

Allele frequency attached by ClinVar (database versions not stated): gnomAD exomes below 0.00001; TOPMed below 0.00001; gnomAD 0.00001.
gnomAD v4.1: 4 of 1,612,286 alleles (0.00025%); highest among the groups gnomAD compares: African/African-American, 0.0013%; no homozygotes.

Submissions (3):

Ambry Genetics
Classification: Uncertain significance for Inborn genetic diseases. Last evaluated: 2025-06-09. Review status: criteria provided, single submitter. Criteria: Ambry Variant Classification Scheme 2023. Collection method: clinical testing. Allele origin: germline.

Labcorp Genetics (formerly Invitae), Labcorp
Classification: Uncertain significance for Very long chain acyl-CoA dehydrogenase deficiency. Last evaluated: 2022-04-30. Review status: criteria provided, single submitter. Criteria: Invitae Variant Classification Sherloc (09022015). Collection method: clinical testing. Allele origin: germline.
Comment: This sequence change replaces valine, which is neutral and non-polar, with alanine, which is neutral and non-polar, at codon 360 of the ACADVL protein (p.Val360Ala). This variant is not present in population databases (gnomAD no frequency). This variant has not been reported in the literature in individuals affected with ACADVL-related conditions. ClinVar contains an entry for this variant (Variation ID: 650483). Algorithms developed to predict the effect of missense changes on protein structure and function are either unavailable or do not agree on the potential impact of this missense change (SIFT: "Deleterious"; PolyPhen-2: "Benign"; Align-GVGD: "Class C0"). Algorithms developed to predict the effect of sequence changes on RNA splicing suggest that this variant may create or strengthen a splice site. In summary, the available evidence is currently insufficient to determine the role of this variant in disease. Therefore, it has been classified as a Variant of Uncertain Significance.

Natera, Inc.
Classification: Uncertain significance for Very long chain acyl-CoA dehydrogenase deficiency. Last evaluated: 2020-01-17. Review status: no assertion criteria provided. Collection method: clinical testing. Allele origin: germline. Not counted in ClinVar's aggregate classification.